The following is an entry in ClinVar:

ClinVar aggregate classification (germline): Likely benign. Review status: criteria provided, multiple submitters, no conflicts (2 of 4 stars). 3 submissions from 3 submitters: Likely benign (3). Last evaluated 2026-03-01.

Allele frequency attached by ClinVar (database versions not stated): TOPMed 0.00002; ExAC 0.00004; gnomAD 0.00004.

Submissions (3):

CeGaT Center for Human Genetics Tuebingen
Classification: Likely benign. Last evaluated: 2026-03-01. Review status: criteria provided, single submitter. Criteria: CeGaT Center For Human Genetics Tuebingen Variant Classification Criteria Version 2. Collection method: clinical testing. Allele origin: germline. Affected: yes. Observed: 1 variant allele.
Comment: TBCE: BP4, BP7

Labcorp Genetics (formerly Invitae), Labcorp
Classification: Likely benign. Last evaluated: 2025-05-17. Review status: criteria provided, single submitter. Criteria: Invitae Variant Classification Sherloc (09022015). Collection method: clinical testing. Allele origin: germline.

Blueprint Genetics
Classification: Likely benign. Last evaluated: 2024-08-29. Review status: criteria provided, single submitter. Criteria: ACMG Guidelines, 2015. Collection method: clinical testing. Allele origin: germline.

NM_003193.5(TBCE):c.732C>T (p.Ser244=)

Gene: TBCE (tubulin folding cofactor E; plus strand). Cytogenetic location: 1q42.3.
Variant type: single nucleotide variant.
Coding change: c.732C>T on transcript NM_003193.5 (MANE Select); coding-DNA position 732, C replaced by T.
Protein change: p.Ser244=; no amino-acid change (serine 244 retained).
Molecular consequence: synonymous variant.
Genome position (GRCh38, 1-based): chr1:235,434,275, C>T. VCF-style: chr1-235434275-C-T. GRCh37 (hg19) VCF-style: chr1-235597590-C-T.
Other names: c.732C>T, p.Ser244= (NM_001079515.3); c.885C>T, p.Ser295= (NM_001287801.2); c.393C>T, p.Ser131= (NM_001287802.2).
Identifiers: ClinVar variation 2415256 (VCV002415256.12), dbSNP rs546440370, ClinGen allele CA1464175.